The following is an entry in ClinVar:

NM_022168.4(IFIH1):c.301G>C (p.Asp101His)

Gene: IFIH1 (interferon induced with helicase C domain 1; minus strand). Cytogenetic location: 2q24.2.
Variant type: single nucleotide variant.
Coding change: c.301G>C on transcript NM_022168.4 (MANE Select); coding-DNA position 301, G replaced by C.
Protein change: p.Asp101His; replaces aspartic acid 101 with histidine.
Molecular consequence: missense variant.
Genome position (GRCh38, 1-based): chr2:162,318,007, C>G on the plus strand (G>C on the coding strand, the complement: IFIH1 is on the minus strand). VCF-style: chr2-162318007-C-G. GRCh37 (hg19) VCF-style: chr2-163174517-C-G.
Other names: p.Asp101His; c.301G>C, p.Asp101His (LRG_1235t1); short protein forms D101H.
Identifiers: ClinVar variation 647388 (VCV000647388.7), dbSNP rs1576243308, ClinGen allele CA349013661.

ClinVar aggregate classification (germline): Conflicting classifications of pathogenicity. Review status: criteria provided, conflicting classifications (1 of 4 stars). 2 submissions from 2 submitters: Uncertain significance (1); Likely benign (1). Last evaluated 2025-03-31.

Conditions:
Aicardi-Goutieres syndrome 7 (AGS7). Identifiers: Orphanet 51, MedGen C3888244, MONDO:0014367, OMIM 615846.
Singleton-Merten syndrome 1 (SGMRT1). Also called: Widened medullary cavities of bone, aortic calcification, abnormal dentition, and muscular weakness; Syndrome of widened medullary cavities of the metacarpals and phalanges, aortic calcification and abnormal dentition. Identifiers: Orphanet 85191, MedGen C4225427, MONDO:0024535, OMIM 182250.

Allele frequency attached by ClinVar (database versions not stated): gnomAD exomes below 0.00001; gnomAD 0.00001.
gnomAD v4.1: 3 of 1,614,160 alleles (0.00019%); highest among the groups gnomAD compares: Middle Eastern, 0.033%; no homozygotes.

Submissions (2):

Mayo Clinic Laboratories, Mayo Clinic
Classification: Uncertain significance. Last evaluated: 2025-03-31. Review status: criteria provided, single submitter. Criteria: ACMG Guidelines, 2015. Collection method: clinical testing. Allele origin: germline. Observed: 1 variant allele.
Comment: BP4_moderate, PM2_supporting

Labcorp Genetics (formerly Invitae), Labcorp
Classification: Likely benign for Aicardi-Goutieres syndrome 7; Singleton-Merten syndrome 1. Last evaluated: 2024-10-15. Review status: criteria provided, single submitter. Criteria: Invitae Variant Classification Sherloc (09022015). Collection method: clinical testing. Allele origin: germline.